The following is an entry in ClinVar:

ClinVar aggregate classification (germline): Uncertain significance. Review status: criteria provided, multiple submitters, no conflicts (2 of 4 stars). 2 submissions from 2 submitters: Uncertain significance (2). Last evaluated 2022-07-12.

Conditions:
Inborn genetic diseases. Identifiers: MedGen C0950123, MeSH D030342.
Cohen syndrome (COH1). Also called: PEPPER SYNDROME; Cutis verticis gyrata, retinitis pigmentosa, and sensorineural deafness. Identifiers: Orphanet 193, MedGen C0265223, MONDO:0008999, OMIM 216550.

Allele frequency attached by ClinVar (database versions not stated): gnomAD exomes below 0.00001.
gnomAD v4.1: 1 of 1,613,626 alleles (0.000062%); highest among the groups gnomAD compares: Admixed American, 0.0017%; no homozygotes.

Submissions (2):

Labcorp Genetics (formerly Invitae), Labcorp
Classification: Uncertain significance for Cohen syndrome. Last evaluated: 2022-07-12. Review status: criteria provided, single submitter. Criteria: Invitae Variant Classification Sherloc (09022015). Collection method: clinical testing. Allele origin: germline.
Comment: This sequence change replaces glycine, which is neutral and non-polar, with alanine, which is neutral and non-polar, at codon 1780 of the VPS13B protein (p.Gly1780Ala). This variant is present in population databases (no rsID available, gnomAD 0.003%). This variant has not been reported in the literature in individuals affected with VPS13B-related conditions. ClinVar contains an entry for this variant (Variation ID: 847894). Algorithms developed to predict the effect of missense changes on protein structure and function are either unavailable or do not agree on the potential impact of this missense change (SIFT: "Not Available"; PolyPhen-2: "Probably Damaging"; Align-GVGD: "Not Available"). In summary, the available evidence is currently insufficient to determine the role of this variant in disease. Therefore, it has been classified as a Variant of Uncertain Significance.

Ambry Genetics
Classification: Uncertain significance for Inborn genetic diseases. Last evaluated: 2021-08-12. Review status: criteria provided, single submitter. Criteria: Ambry Variant Classification Scheme 2023. Collection method: clinical testing. Allele origin: germline.

NM_152564.5(VPS13B):c.5264G>C (p.Gly1755Ala)

Gene: VPS13B (vacuolar protein sorting 13 homolog B; plus strand). Cytogenetic location: 8q22.2.
Variant type: single nucleotide variant.
Coding change: c.5264G>C on transcript NM_152564.5 (MANE Select); coding-DNA position 5264, G replaced by C.
Protein change: p.Gly1755Ala; replaces glycine 1755 with alanine.
Molecular consequence: missense variant.
Genome position (GRCh38, 1-based): chr8:99,641,854, G>C. VCF-style: chr8-99641854-G-C. GRCh37 (hg19) VCF-style: chr8-100654082-G-C.
Other names: c.5339G>C (NM_017890.3); c.5339G>C, p.Gly1780Ala (NM_017890.5); short protein forms G1755A, G1780A.
Identifiers: ClinVar variation 847894 (VCV000847894.7), dbSNP rs1426875703, ClinGen allele CA371872176.